The following is an entry in ClinVar:

NM_004991.4(MECOM):c.735C>A (p.Asp245Glu)

Gene: MECOM (MDS1 and EVI1 complex locus; minus strand). Cytogenetic location: 3q26.2.
Variant type: single nucleotide variant.
Coding change: c.735C>A on transcript NM_004991.4 (MANE Select); coding-DNA position 735, C replaced by A.
Protein change: p.Asp245Glu; replaces aspartic acid 245 with glutamic acid.
Molecular consequence: missense variant.
Genome position (GRCh38, 1-based): chr3:169,127,939, G>T on the plus strand (C>A on the coding strand, the complement: MECOM is on the minus strand). VCF-style: chr3-169127939-G-T. GRCh37 (hg19) VCF-style: chr3-168845727-G-T.
Other names: c.363C>A, p.Asp121Glu (NM_001105077.4); c.171C>A, p.Asp57Glu (NM_001105078.4, NM_001163999.2, NM_001164000.2 and 9 more transcripts); c.735C>A, p.Asp245Glu (NM_001366466.2, NM_001366473.2); short protein forms D57E, D121E, D245E.
Identifiers: ClinVar variation 4053237 (VCV004053237.1).

ClinVar aggregate classification (germline): Uncertain significance (1 of 4 stars; one submission).

Conditions:
Inborn genetic diseases. Identifiers: MedGen C0950123, MeSH D030342.

Submission:

Ambry Genetics
Classification: Uncertain significance for Inborn genetic diseases. Last evaluated: 2025-05-05. Review status: criteria provided, single submitter. Criteria: Ambry Variant Classification Scheme 2023. Collection method: clinical testing. Allele origin: germline.
Comment: The p.D245E variant (also known as c.735C>A), located in coding exon 5 of the MECOM gene, results from a C to A substitution at nucleotide position 735. The aspartic acid at codon 245 is replaced by glutamic acid, an amino acid with highly similar properties. This amino acid position is conserved. In addition, this alteration is predicted to be tolerated by in silico analysis. Based on the available evidence, the clinical significance of this variant remains unclear.